The following is an entry in ClinVar:

ClinVar aggregate classification (germline): Pathogenic. Review status: reviewed by expert panel (3 of 4 stars). 7 submissions from 7 submitters: Pathogenic (1). 6 of the submissions do not count toward it. Last evaluated 2016-10-18.

Conditions:
Hereditary cancer-predisposing syndrome. Also called: Tumor predisposition; Hereditary Cancer Syndrome; Neoplastic Syndromes, Hereditary; Hereditary neoplastic syndrome. Identifiers: Orphanet 140162, MedGen C0027672, MeSH D009386, MONDO:0015356.
Hereditary breast ovarian cancer syndrome. Also called: Hereditary breast and ovarian cancer; Breast and ovarian cancer; Hereditary breast and/or ovarian cancer syndrome; BRCA1- and BRCA2-Associated Hereditary Breast and Ovarian Cancer; Hereditary breast and ovarian cancer syndrome; Hereditary breast and ovarian cancer syndrome (HBOC). Identifiers: Orphanet 145, MedGen C0677776, MeSH D061325, MONDO:0003582. Disease mechanism: loss of function.
Breast-ovarian cancer, familial, susceptibility to, 2 (BROVCA2). Also called: BRCA2 Hereditary Breast and Ovarian Cancer. Identifiers: Orphanet 145, MedGen C2675520, MONDO:0012933, OMIM 612555. Disease mechanism: loss of function.

Submissions (7):

Evidence-based Network for the Interpretation of Germline Mutant Alleles (ENIGMA)
Classification: Pathogenic for Breast-ovarian cancer, familial, susceptibility to, 2. Last evaluated: 2016-10-18. Review status: reviewed by expert panel. Criteria: ENIGMA BRCA1/2 Classification Criteria (2015). Collection method: curation. Allele origin: germline.
Comment: Variant allele predicted to encode a truncated non-functional protein.

Ambry Genetics
Classification: Pathogenic for Hereditary cancer-predisposing syndrome. Last evaluated: 2024-03-28. Review status: criteria provided, single submitter. Criteria: Ambry Variant Classification Scheme 2023. Collection method: clinical testing. Allele origin: germline. Not counted in ClinVar's aggregate classification.
Comment: The c.8312delC pathogenic mutation, located in coding exon 17 of the BRCA2 gene, results from a deletion of one nucleotide at nucleotide position 8312, causing a translational frameshift with a predicted alternate stop codon (p.P2771Qfs*6). This variant is considered to be rare based on population cohorts in the Genome Aggregation Database (gnomAD). This alteration is expected to result in loss of function by premature protein truncation or nonsense-mediated mRNA decay. As such, this alteration is interpreted as a disease-causing mutation.

Color Diagnostics, LLC DBA Color Health
Classification: Pathogenic for Hereditary cancer-predisposing syndrome. Last evaluated: 2022-04-05. Review status: criteria provided, single submitter. Criteria: ACMG Guidelines, 2015. Collection method: clinical testing. Allele origin: germline. Not counted in ClinVar's aggregate classification.
Comment: This variant deletes 1 nucleotide in exon 18 of the BRCA2 gene, creating a frameshift and premature translation stop signal. This variant is expected to result in an absent or non-functional protein product. This variant has been reported in 1 individual affected with early-onset breast cancer (PMID: 19073510) and has been identified in 3 families among the CIMBA participants (PMID: 29446198). This variant has not been identified in the general population by the Genome Aggregation Database (gnomAD). Loss of BRCA2 function is a known mechanism of disease. Based on the available evidence, this variant is classified as Pathogenic.

Labcorp Genetics (formerly Invitae), Labcorp
Classification: Pathogenic for Hereditary breast ovarian cancer syndrome. Last evaluated: 2021-09-25. Review status: criteria provided, single submitter. Criteria: Invitae Variant Classification Sherloc (09022015). Collection method: clinical testing. Allele origin: germline. Not counted in ClinVar's aggregate classification.
Comment: For these reasons, this variant has been classified as Pathogenic. ClinVar contains an entry for this variant (Variation ID: 252854). This variant is also known as 8540delC. This premature translational stop signal has been observed in individual(s) with an increased risk of breast and/or ovarian cancer (PMID: 19073510, 29446198). This variant is not present in population databases (ExAC no frequency). This sequence change creates a premature translational stop signal (p.Pro2771Glnfs*6) in the BRCA2 gene. It is expected to result in an absent or disrupted protein product. Loss-of-function variants in BRCA2 are known to be pathogenic (PMID: 20104584).

Quest Diagnostics Nichols Institute San Juan Capistrano
Classification: Pathogenic. Last evaluated: 2019-06-07. Review status: criteria provided, single submitter. Criteria: Quest Diagnostics criteria. Collection method: clinical testing. Allele origin: germline. Not counted in ClinVar's aggregate classification.
Comment: The variant results in a shift of the reading frame, and is therefore predicted to result in the loss of a functional protein. Found in at least one symptomatic patient, and not found in general population data.

Consortium of Investigators of Modifiers of BRCA1/2 (CIMBA), c/o University of Cambridge
Classification: Pathogenic for Breast-ovarian cancer, familial, susceptibility to, 2. Last evaluated: 2015-10-02. Review status: criteria provided, single submitter. Criteria: CIMBA Mutation Classification guidelines May 2016. Collection method: clinical testing. Allele origin: germline. Not counted in ClinVar's aggregate classification.

Sharing Clinical Reports Project (SCRP)
Classification: Pathogenic for Breast-ovarian cancer, familial 2. Last evaluated: 2008-01-14. Review status: no assertion criteria provided. Collection method: clinical testing. Allele origin: germline. Not counted in ClinVar's aggregate classification.

Literature cited by the submitters: PubMed 19073510 (cited by 3 submitters); PubMed 29446198 (cited by 3 submitters); PubMed 20104584 (cited by Labcorp Genetics (formerly Invitae), Labcorp).

NM_000059.4(BRCA2):c.8312del

Gene: BRCA2 (BRCA2 DNA repair associated; plus strand). Cytogenetic location: 13q13.1.
Variant type: Deletion.
Coding change: c.8312del on transcript NM_000059.4 (MANE Select); coding-DNA position 8312, one base deleted (C; older notation c.8312delC).
Genome position (GRCh38, 1-based): chr13:32,363,514, C deleted; the last of 4 consecutive C bases (chr13:32,363,511-32,363,514); deleting any one gives the same sequence. VCF-style (leftmost placement, unchanged base first): chr13-32363510-GC-G. GRCh37 (hg19) VCF-style: chr13-32937647-GC-G.
Other names: 8540DELC; 8540delC; c.8312del, p.Pro2771fs (LRG_293t1); c.8312delC (NM_000059.3).
Identifiers: ClinVar variation 252854 (VCV000252854.16), dbSNP rs879255469, ClinGen allele CA10586084.